The following is an entry in ClinVar:

ClinVar aggregate classification (germline): Benign/Likely benign. Review status: criteria provided, multiple submitters, no conflicts (2 of 4 stars). 5 submissions from 5 submitters: Benign (1); Likely benign (3). 1 of the submissions does not count toward it. Last evaluated 2025-08-30.

Conditions:
RET-related disorder. Also called: RET-related disorders; RET-related condition; RET-related disease.
Multiple endocrine neoplasia, type 2 (MEN2). Identifiers: Orphanet 653, MedGen C4048306, MONDO:0019003. Disease mechanism: gain of function.

Allele frequency attached by ClinVar (database versions not stated): TOPMed below 0.00001; gnomAD exomes 0.00005 and 0.00011; gnomAD 0.00012; ExAC 0.00028.
gnomAD v4.1: 95 of 1,557,654 alleles (0.0061%); highest among the groups gnomAD compares: Non-Finnish European, 0.0014%; 1 homozygote.

Submissions (5):

Labcorp Genetics (formerly Invitae), Labcorp
Classification: Benign for Multiple endocrine neoplasia, type 2. Last evaluated: 2025-08-30. Review status: criteria provided, single submitter. Criteria: Invitae Variant Classification Sherloc (09022015). Collection method: clinical testing. Allele origin: germline.

Blueprint Genetics
Classification: Likely benign. Last evaluated: 2024-07-16. Review status: criteria provided, single submitter. Criteria: ACMG Guidelines, 2015. Collection method: clinical testing. Allele origin: germline.

All of Us Research Program, National Institutes of Health
Classification: Likely benign for Multiple endocrine neoplasia, type 2. Last evaluated: 2023-11-20. Review status: criteria provided, single submitter. Criteria: ACMG Guidelines, 2015. Collection method: clinical testing. Allele origin: germline. Inheritance: Autosomal dominant inheritance. Observed: 3 variant alleles, 3 heterozygotes.
Comment: This study involves interpretation of variants in research participants for the purpose of population health screening. Participant phenotype was not available at the time of variant classification. Additional details can be found in publication PMID: 35346344, PMCID: PMC8962531

Color Diagnostics, LLC DBA Color Health
Classification: Likely benign for Multiple endocrine neoplasia, type 2. Last evaluated: 2022-11-06. Review status: criteria provided, single submitter. Criteria: ACMG Guidelines, 2015. Collection method: clinical testing. Allele origin: germline.

PreventionGenetics, part of Exact Sciences
Classification: Likely benign for RET-related condition. Last evaluated: 2024-07-23. Review status: no assertion criteria provided. Collection method: clinical testing. Allele origin: germline. Not counted in ClinVar's aggregate classification.
Comment: This variant is classified as likely benign based on ACMG/AMP sequence variant interpretation guidelines (Richards et al. 2015 PMID: 25741868, with internal and published modifications).

NM_020975.6(RET):c.626-7T>C

Gene: RET (ret proto-oncogene; plus strand). Cytogenetic location: 10q11.21.
Variant type: single nucleotide variant.
Coding change: c.626-7T>C on transcript NM_020975.6 (MANE Select); 7 bases into the intron before coding-DNA position 626, T replaced by C.
Molecular consequence: intron variant. On other transcripts: 5 prime UTR variant (1).
Genome position (GRCh38, 1-based): chr10:43,104,945, T>C. VCF-style: chr10-43104945-T-C. GRCh37 (hg19) VCF-style: chr10-43600393-T-C.
Other names: c.-144T>C (NM_001355216.2); c.626-7T>C (NM_020630.7, NM_001406743.1, NM_001406744.1 and 6 more transcripts); c.625+2316T>C (NM_001406773.1, NM_001406771.1, NM_001406782.1 and 5 more transcripts); c.497-7T>C (NM_001406764.1, NM_001406762.1, NM_001406761.1 and 2 more transcripts); c.496+2316T>C (NM_001406786.1, NM_001406783.1); c.338-7T>C (NM_001406770.1, NM_001406766.1, NM_001406767.1); c.338-4086T>C (NM_001406778.1, NM_001406775.1, NM_001406776.1 and 1 more transcripts); c.337+4223T>C (NM_001406790.1, NM_001406788.1, NM_001406789.1 and 1 more transcripts); and 2 more.
Identifiers: ClinVar variation 702618 (VCV000702618.15), dbSNP rs768246167, ClinGen allele CA044397.
Genomic context (GRCh38, chr10:43,104,945, plus strand): 5'-CCGAGGAAAGCGGCTGGCCCGGTCCCGGCTGGTGATCACGCGGGGCCCCTGTCTGCTTGG[T>C]GCGCAGGTGAGGGTCTGCCCTTCCGCTGCGCCCCGGACAGCCTGGAGGTGAGCACGCGCT-3'